The following is an entry in ClinVar:

ClinVar aggregate classification (germline): Uncertain significance (1 of 4 stars; one submission).

Allele frequency attached by ClinVar (database versions not stated): gnomAD 0.00001; 1000 Genomes Project 0.00020; 1000 Genomes Project 30x 0.00031.
gnomAD v4.1: 1 of 1,612,114 alleles (0.000062%); highest among the groups gnomAD compares: Admixed American, 0.0017%; no homozygotes.

Submission:

Labcorp Genetics (formerly Invitae), Labcorp
Classification: Uncertain significance. Last evaluated: 2022-07-21. Review status: criteria provided, single submitter. Criteria: Invitae Variant Classification Sherloc (09022015). Collection method: clinical testing. Allele origin: germline.
Comment: In summary, the available evidence is currently insufficient to determine the role of this variant in disease. Therefore, it has been classified as a Variant of Uncertain Significance. Algorithms developed to predict the effect of missense changes on protein structure and function are either unavailable or do not agree on the potential impact of this missense change (SIFT: "Deleterious"; PolyPhen-2: "Probably Damaging"; Align-GVGD: "Class C0"). This variant has not been reported in the literature in individuals affected with ORC4-related conditions. This variant is present in population databases (rs193033266, gnomAD 0.003%). This sequence change replaces leucine, which is neutral and non-polar, with proline, which is neutral and non-polar, at codon 163 of the ORC4 protein (p.Leu163Pro).

NM_181741.4(ORC4):c.488T>C (p.Leu163Pro)

Gene: ORC4 (origin recognition complex subunit 4; minus strand). Cytogenetic location: 2q23.1.
Variant type: single nucleotide variant.
Coding change: c.488T>C on transcript NM_181741.4 (MANE Select); coding-DNA position 488, T replaced by C.
Protein change: p.Leu163Pro; replaces leucine 163 with proline.
Molecular consequence: missense variant.
Genome position (GRCh38, 1-based): chr2:147,952,473, A>G on the plus strand (T>C on the coding strand, the complement: ORC4 is on the minus strand). VCF-style: chr2-147952473-A-G. GRCh37 (hg19) VCF-style: chr2-148710042-A-G.
Other names: c.488T>C, p.Leu163Pro (NM_001190879.3, NM_001374270.1, NM_002552.5 and 1 more transcripts); c.236T>C, p.Leu79Pro (NM_001190881.3, NM_001374272.1); c.266T>C, p.Leu89Pro (NM_001190882.3); short protein forms L79P, L163P, L89P.
Identifiers: ClinVar variation 2125720 (VCV002125720.4), dbSNP rs193033266, ClinGen allele CA1899585.
Genomic context (GRCh38, chr2:147,952,473, plus strand): 5'-GCAGACTGAGAAATGTCAAAAAGATTATAGAGAAGTGTTTGGTTTTTATGATGAGCAAAA[A>G]GATCAAATTCATCTAATATGAAGATCACTGGGCAACTGCTAGTTCGGTCACCTAAGATAA-3'
Protein context (NP_859525.1, residues 153-173): PVIFILDEFD[Leu163Pro]FAHHKNQTLL